The following is an entry in ClinVar:

NM_002907.4(RECQL):c.509T>G (p.Val170Gly)

Gene: RECQL (RecQ like helicase; minus strand). Cytogenetic location: 12p12.1.
Variant type: single nucleotide variant.
Coding change: c.509T>G on transcript NM_002907.4 (MANE Select); coding-DNA position 509, T replaced by G.
Protein change: p.Val170Gly; replaces valine 170 with glycine.
Molecular consequence: missense variant.
Genome position (GRCh38, 1-based): chr12:21,483,567, A>C on the plus strand (T>G on the coding strand, the complement: RECQL is on the minus strand). VCF-style: chr12-21483567-A-C. GRCh37 (hg19) VCF-style: chr12-21636501-A-C.
Other names: c.509T>G, p.Val170Gly (NM_032941.3); short protein forms V170G.
Identifiers: ClinVar variation 1745331 (VCV001745331.3), dbSNP rs2540376177, ClinGen allele CA384128142.
Genomic context (GRCh38, chr12:21,483,567, plus strand): 5'-GTCACATAAATCAGCTTTAACTCGGAGTTTTTATTTACCATTTCAGCATGAACCCATTTA[A>C]CATGCTCCTATTAAAAGAAAAAAATAGACACAATGATAGTAAAACTAAGCTAGCAGACTG-3'
Protein context (NP_002898.2, residues 160-180): MLNASSSKEH[Val170Gly]KWVHAEMVNK

ClinVar aggregate classification (germline): Uncertain significance (1 of 4 stars; one submission).

Submission:

Ambry Genetics
Classification: Uncertain significance. Last evaluated: 2025-02-16. Review status: criteria provided, single submitter. Criteria: Ambry Variant Classification Scheme 2023. Collection method: clinical testing. Allele origin: germline.
Comment: The p.V170G variant (also known as c.509T>G), located in coding exon 5 of the RECQL gene, results from a T to G substitution at nucleotide position 509. The valine at codon 170 is replaced by glycine, an amino acid with dissimilar properties. This amino acid position is well conserved in available vertebrate species. In addition, the in silico prediction for this alteration is inconclusive. Since supporting evidence is limited at this time, the clinical significance of this alteration remains unclear.